The following is an entry in ClinVar:

ClinVar aggregate classification (germline): Uncertain significance (1 of 4 stars; one submission).

gnomAD v4.1: 6 of 1,614,176 alleles (0.00037%); highest among the groups gnomAD compares: Non-Finnish European, 0.00051%; no homozygotes.

Submission:

Labcorp Genetics (formerly Invitae), Labcorp
Classification: Uncertain significance. Last evaluated: 2024-03-18. Review status: criteria provided, single submitter. Criteria: Invitae Variant Classification Sherloc (09022015). Collection method: clinical testing. Allele origin: germline.
Comment: This sequence change replaces lysine, which is basic and polar, with glutamic acid, which is acidic and polar, at codon 1772 of the MYH3 protein (p.Lys1772Glu). This variant is present in population databases (rs781696530, gnomAD 0.0009%). This variant has not been reported in the literature in individuals affected with MYH3-related conditions. Advanced modeling of protein sequence and biophysical properties (such as structural, functional, and spatial information, amino acid conservation, physicochemical variation, residue mobility, and thermodynamic stability) performed at Invitae indicates that this missense variant is not expected to disrupt MYH3 protein function with a negative predictive value of 95%. In summary, the available evidence is currently insufficient to determine the role of this variant in disease. Therefore, it has been classified as a Variant of Uncertain Significance.

NM_002470.4(MYH3):c.5314A>G (p.Lys1772Glu)

Gene: MYH3 (myosin heavy chain 3; minus strand). Cytogenetic location: 17p13.1.
Variant type: single nucleotide variant.
Coding change: c.5314A>G on transcript NM_002470.4 (MANE Select); coding-DNA position 5314, A replaced by G.
Protein change: p.Lys1772Glu; replaces lysine 1772 with glutamic acid.
Molecular consequence: missense variant.
Genome position (GRCh38, 1-based): chr17:10,630,431, T>C on the plus strand (A>G on the coding strand, the complement: MYH3 is on the minus strand). VCF-style: chr17-10630431-T-C. GRCh37 (hg19) VCF-style: chr17-10533748-T-C.
Other names: short protein forms K1772E.
Identifiers: ClinVar variation 3696878 (VCV003696878.2).
Genomic context (GRCh38, chr17:10,630,431, plus strand): 5'-TCACCGTCTGTTCCAGGTTCTTCTTCATCCGCTCAAGGTGGGCGCTGGTGTCCTGCTCCT[T>C]CTTCAGCTCCTCCGCCATCATGGCAGCCTGAAAAGCACATGGGACTTGCTAGGATGCAGA-3'
Protein context (NP_002461.2, residues 1762-1782): DAAMMAEELK[Lys1772Glu]EQDTSAHLER